The following is an entry in ClinVar:

NM_004855.5(PIGB):c.653G>A (p.Ser218Asn)

Gene: PIGB (phosphatidylinositol glycan anchor biosynthesis class B; plus strand). Cytogenetic location: 15q21.3.
Variant type: single nucleotide variant.
Coding change: c.653G>A on transcript NM_004855.5 (MANE Select); coding-DNA position 653, G replaced by A.
Protein change: p.Ser218Asn; replaces serine 218 with asparagine.
Molecular consequence: missense variant.
Genome position (GRCh38, 1-based): chr15:55,329,854, G>A. VCF-style: chr15-55329854-G-A. GRCh37 (hg19) VCF-style: chr15-55622052-G-A.
Other names: short protein forms S218N.
Identifiers: ClinVar variation 3664296 (VCV003664296.2).

ClinVar aggregate classification (germline): Uncertain significance (1 of 4 stars; one submission).

Submission:

Labcorp Genetics (formerly Invitae), Labcorp
Classification: Uncertain significance. Last evaluated: 2024-09-27. Review status: criteria provided, single submitter. Criteria: Invitae Variant Classification Sherloc (09022015). Collection method: clinical testing. Allele origin: germline.
Comment: This sequence change replaces serine, which is neutral and polar, with asparagine, which is neutral and polar, at codon 218 of the PIGB protein (p.Ser218Asn). This variant also falls at the last nucleotide of exon 5, which is part of the consensus splice site for this exon. This variant is not present in population databases (gnomAD no frequency). This variant has not been reported in the literature in individuals affected with PIGB-related conditions. An algorithm developed to predict the effect of missense changes on protein structure and function (PolyPhen-2) suggests that this variant is likely to be tolerated. Variants that disrupt the consensus splice site are a relatively common cause of aberrant splicing (PMID: 17576681, 9536098). Algorithms developed to predict the effect of sequence changes on RNA splicing suggest that this variant may disrupt the consensus splice site. In summary, the available evidence is currently insufficient to determine the role of this variant in disease. Therefore, it has been classified as a Variant of Uncertain Significance.

Literature cited by the submitters: PubMed 17576681; PubMed 9536098.